The following is an entry in ClinVar:

ClinVar aggregate classification (germline): Likely pathogenic. Review status: criteria provided, multiple submitters, no conflicts (2 of 4 stars). 4 submissions from 4 submitters: Likely pathogenic (2). 2 of the submissions do not count toward it. Last evaluated 2026-01-02.

Conditions:
Bardet-Biedl syndrome (BBS). Identifiers: Orphanet 110, MedGen C0752166, MONDO:0015229.
Bardet-Biedl syndrome 10 (BBS10). Identifiers: Orphanet 110, MedGen C1859568, MONDO:0014438, OMIM 615987.

Submissions (4):

Myriad Genetics, Inc.
Classification: Likely pathogenic for Bardet-Biedl syndrome 10. Last evaluated: 2026-01-02. Review status: criteria provided, single submitter. Criteria: Myriad Autosomal Dominant, Autosomal Recessive and X-Linked Classification Criteria (2023). Collection method: clinical testing. Allele origin: unknown.
Comment: NM_024685.3(BBS10):c.530A>G(Y177C) is a missense variant classified as likely pathogenic in the context of Bardet-Biedl syndrome, BBS10-related. Y177C has been observed in cases with relevant disease (PMID: 19797195, Yoon_2014_(Article), 27659767, 30614526, 31951329, 34958143, 35886001). Relevant functional assessments of this variant are not available in the literature. Y177C has not been observed in referenced population frequency databases. In summary, NM_024685.3(BBS10):c.530A>G(Y177C) is a missense variant that has been observed more frequently in cases with the relevant disease than in healthy populations. Please note: this variant was assessed in the context of healthy population screening.

3billion
Classification: Likely pathogenic for Bardet-Biedl syndrome 10. Last evaluated: 2024-04-19. Review status: criteria provided, single submitter. Criteria: ACMG Guidelines, 2015. Collection method: clinical testing. Allele origin: germline. Affected: yes.
Comment: The variant is not observed in the gnomAD v4.0.0 dataset. Predicted Consequence/Location: The majority of the known disease-causing variants of this gene are variants expected to result in premature termination of the protein. In silico tool predictions suggest damaging effect of the variant on gene or gene product [REVEL: 0.69 (>=0.6, sensitivity 0.68 and specificity 0.92); 3Cnet: 0.66 (>=0.6, sensitivity 0.72 and precision 0.9)]. Same nucleotide change resulting in same amino acid change has been previously reported to be associated with BBS10 related disorder (ClinVar ID: VCV000556508 /PMID: 19797195).The variant has been reported to be in trans with a pathogenic variant as either compound heterozygous or homozygous in at least one similarly affected unrelated individual (3billion dataset). Therefore, this variant is classified as Likely pathogenic according to the recommendation of ACMG/AMP guideline.

Laboratory of Medical Genetics (UMR_S 1112), INSERM/Strasbourg University
Classification: Pathogenic for Bardet-Biedl syndrome. Last evaluated: 2018-09-15. Review status: no assertion criteria provided. Collection method: provider interpretation. Allele origin: germline. Affected: yes. Study: French fetal BBS cohort. Not counted in ClinVar's aggregate classification.

Counsyl
Classification: Uncertain significance for Bardet-Biedl syndrome 10. Last evaluated: 2018-02-02. Review status: no assertion criteria provided. Collection method: clinical testing. Allele origin: unknown. Not counted in ClinVar's aggregate classification.

Literature cited by the submitters: PubMed 19797195 (cited by 3billion and Counsyl); PubMed 30614526 (cited by Laboratory of Medical Genetics (UMR_S 1112), INSERM/Strasbourg University).

NM_024685.4(BBS10):c.530A>G (p.Tyr177Cys)

Gene: BBS10 (Bardet-Biedl syndrome 10; minus strand). Cytogenetic location: 12q21.2.
Variant type: single nucleotide variant.
Coding change: c.530A>G on transcript NM_024685.4 (MANE Select); coding-DNA position 530, A replaced by G.
Protein change: p.Tyr177Cys; replaces tyrosine 177 with cysteine.
Molecular consequence: missense variant.
Genome position (GRCh38, 1-based): chr12:76,347,455, T>C on the plus strand (A>G on the coding strand, the complement: BBS10 is on the minus strand). VCF-style: chr12-76347455-T-C. GRCh37 (hg19) VCF-style: chr12-76741235-T-C.
Other names: c.530A>G, p.Tyr177Cys (LRG_1255t1); short protein forms Y177C.
Identifiers: ClinVar variation 556508 (VCV000556508.7), dbSNP rs1555202700, ClinGen allele CA385814987.